The following is an entry in ClinVar:

ClinVar aggregate classification (germline): Uncertain significance (1 of 4 stars; one submission).

Conditions:
Inborn genetic diseases. Identifiers: MedGen C0950123, MeSH D030342.

Allele frequency attached by ClinVar (database versions not stated): gnomAD exomes below 0.00001.
gnomAD v4.1: 2 of 1,612,270 alleles (0.00012%); highest among the groups gnomAD compares: Non-Finnish European, 0.00017%; no homozygotes.

Submission:

Ambry Genetics
Classification: Uncertain significance for Inborn genetic diseases. Last evaluated: 2023-10-08. Review status: criteria provided, single submitter. Criteria: Ambry Variant Classification Scheme 2023. Collection method: clinical testing. Allele origin: germline.
Comment: The p.I152M variant (also known as c.456A>G), located in coding exon 5 of the LRRK2 gene, results from an A to G substitution at nucleotide position 456. The isoleucine at codon 152 is replaced by methionine, an amino acid with highly similar properties. This amino acid position is conserved. In addition, this alteration is predicted to be tolerated by in silico analysis. Since supporting evidence is limited at this time, the clinical significance of this alteration remains unclear.

NM_198578.4(LRRK2):c.456A>G (p.Ile152Met)

Gene: LRRK2 (leucine rich repeat kinase 2; plus strand). Cytogenetic location: 12q12.
Variant type: single nucleotide variant.
Coding change: c.456A>G on transcript NM_198578.4 (MANE Select); coding-DNA position 456, A replaced by G.
Protein change: p.Ile152Met; replaces isoleucine 152 with methionine.
Molecular consequence: missense variant.
Genome position (GRCh38, 1-based): chr12:40,237,988, A>G. VCF-style: chr12-40237988-A-G. GRCh37 (hg19) VCF-style: chr12-40631790-A-G.
Other names: short protein forms I152M.
Identifiers: ClinVar variation 1741539 (VCV001741539.2), dbSNP rs2499419072, ClinGen allele CA384403754.